The following is an entry in ClinVar:

NM_001136193.2(FASTKD2):c.872C>T (p.Thr291Met)

Genes: FASTKD2 (FAST kinase domains 2; plus strand), LOC126806484 (CDK7 strongly-dependent group 2 enhancer GRCh37_chr2:207634423-207635622; plus strand). Cytogenetic location: 2q33.3.
Variant type: single nucleotide variant.
Coding change: c.872C>T on transcript NM_001136193.2 (MANE Select); coding-DNA position 872, C replaced by T.
Protein change: p.Thr291Met; replaces threonine 291 with methionine.
Molecular consequence: missense variant.
Genome position (GRCh38, 1-based): chr2:206,770,185, C>T. VCF-style: chr2-206770185-C-T. GRCh37 (hg19) VCF-style: chr2-207634909-C-T.
Other names: c.872C>T, p.Thr291Met (NM_001136194.2, NM_014929.4); short protein forms T291M.
Identifiers: ClinVar variation 1190094 (VCV001190094.5), dbSNP rs138500508, ClinGen allele CA2074980.

ClinVar aggregate classification (germline): Conflicting classifications of pathogenicity. Review status: criteria provided, conflicting classifications (1 of 4 stars). 3 submissions from 3 submitters: Uncertain significance (2); Likely benign (1). Last evaluated 2024-09-03.

Conditions:
Inborn genetic diseases. Identifiers: MedGen C0950123, MeSH D030342.
Combined oxidative phosphorylation deficiency 44. Also called: FASTKD2-Related Combined Oxidative Phosphorylation Deficiency. Identifiers: MedGen C5394293, MONDO:0030020, OMIM 618855.

Allele frequency attached by ClinVar (database versions not stated): ESP Exome Variant Server 0.00008; TOPMed 0.00009; gnomAD exomes 0.00012; gnomAD 0.00013 and 0.00014; ExAC 0.00017.
gnomAD v4.1: 288 of 1,596,686 alleles (0.018%); highest among the groups gnomAD compares: Non-Finnish European, 0.022%; 1 homozygote.

Submissions (3):

Ambry Genetics
Classification: Likely benign for Inborn genetic diseases. Last evaluated: 2024-09-03. Review status: criteria provided, single submitter. Criteria: Ambry Variant Classification Scheme 2023. Collection method: clinical testing. Allele origin: germline.

Fulgent Genetics
Classification: Uncertain significance for Combined oxidative phosphorylation deficiency 44. Last evaluated: 2024-05-22. Review status: criteria provided, single submitter. Criteria: ACMG Guidelines, 2015. Collection method: clinical testing. Allele origin: germline.

GeneDx
Classification: Uncertain significance. Last evaluated: 2020-11-04. Review status: criteria provided, single submitter. Criteria: GeneDx Variant Classification Process June 2021. Collection method: clinical testing. Allele origin: germline. Affected: yes.
Comment: In silico analysis supports that this missense variant does not alter protein structure/function; Has not been previously published as pathogenic or benign to our knowledge